The following is an entry in ClinVar:

NM_001848.3(COL6A1):c.2670G>A (p.Ser890=)

Gene: COL6A1 (collagen type VI alpha 1 chain; plus strand). Cytogenetic location: 21q22.3.
Variant type: single nucleotide variant.
Coding change: c.2670G>A on transcript NM_001848.3 (MANE Select); coding-DNA position 2670, G replaced by A.
Protein change: p.Ser890=; no amino-acid change (serine 890 retained).
Molecular consequence: synonymous variant.
Genome position (GRCh38, 1-based): chr21:46,003,596, G>A. VCF-style: chr21-46003596-G-A. GRCh37 (hg19) VCF-style: chr21-47423510-G-A.
Identifiers: ClinVar variation 509023 (VCV000509023.13), dbSNP rs527265374, ClinGen allele CA10070999.

ClinVar aggregate classification (germline): Conflicting classifications of pathogenicity. Review status: criteria provided, conflicting classifications (1 of 4 stars). 3 submissions from 3 submitters: Uncertain significance (1); Likely benign (2). Last evaluated 2025-10-02.

Conditions:
Bethlem myopathy 1A. Also called: MYOPATHY, BENIGN CONGENITAL, WITH CONTRACTURES; Bethlem myopathy 1; Bethlem Muscular Dystrophy. Identifiers: Orphanet 610, MedGen CN029274, MONDO:0024530, OMIM 158810.

Allele frequency attached by ClinVar (database versions not stated): gnomAD 0.00001 and 0.00003; gnomAD exomes 0.00004 and 0.00005; ExAC 0.00005; TOPMed 0.00005; 1000 Genomes Project 0.00020; 1000 Genomes Project 30x 0.00031.
gnomAD v4.1: 66 of 1,612,814 alleles (0.0041%); highest among the groups gnomAD compares: East Asian, 0.051%; no homozygotes.

Submissions (3):

Labcorp Genetics (formerly Invitae), Labcorp
Classification: Likely benign for Bethlem myopathy 1A. Last evaluated: 2025-10-02. Review status: criteria provided, single submitter. Criteria: Invitae Variant Classification Sherloc (09022015). Collection method: clinical testing. Allele origin: germline.

Eurofins Ntd Llc (ga)
Classification: Uncertain significance. Last evaluated: 2017-12-19. Review status: criteria provided, single submitter. Criteria: EGL Classification Definitions 2015. Collection method: clinical testing. Allele origin: germline. Observed: 1 variant allele, 1 heterozygote.

GeneDx
Classification: Likely benign. Last evaluated: 2017-04-14. Review status: criteria provided, single submitter. Criteria: GeneDx Variant Classification (06012015). Collection method: clinical testing. Allele origin: germline. Affected: yes.
Comment: This variant is considered likely benign or benign based on one or more of the following criteria: it is a conservative change, it occurs at a poorly conserved position in the protein, it is predicted to be benign by multiple in silico algorithms, and/or has population frequency not consistent with disease.